The following is an entry in ClinVar:

ClinVar aggregate classification (germline): Benign (1 of 4 stars; one submission).

Conditions:
Leigh syndrome (NULS). Also called: Leigh's necrotizing encephalopathy; Leigh's disease; Leigh Syndrome (mtDNA deletion); Leigh Disease; Subacute necrotizing encephalopathy; Necrotizing encephalopathy infantile subacute of Leigh. Identifiers: Orphanet 506, MedGen C2931891, MONDO:0009723, OMIM 256000.

Submission:

Wong Mito Lab, Molecular and Human Genetics, Baylor College of Medicine
Classification: Benign for Leigh syndrome. Last evaluated: 2019-10-17. Review status: criteria provided, single submitter. Criteria: Modified ACMG Guidelines (Unpublished). Collection method: clinical testing. Allele origin: germline.
Comment: The NC_012920.1:m.9182G>A (YP_003024031.1:p.Ser219Asn) variant in MTATP6 gene is interpretated to be a Benign variant based on the modified ACMG guidelines (unpublished). This variant meets the following evidence codes: BS1, BS2

NC_012920.1(MT-ATP6):m.9182G>A

Gene: MT-ATP6 (mitochondrially encoded ATP synthase 6; plus strand).
Variant type: single nucleotide variant.
Genome position: chrM-9182-G-A.
Identifiers: ClinVar variation 693119 (VCV000693119.1), dbSNP rs1556423629, ClinGen allele CA414802370.
Genomic context (GRCh38, chrMT:9,182, plus strand): 5'-TGACTATCCTAGAAATCGCTGTCGCCTTAATCCAAGCCTACGTTTTCACACTTCTAGTAA[G>A]CCTCTACCTGCACGACAACACATAATGACCCACCAATCACATGCCTATCATATAGTAAAA-3'